The following is an entry in ClinVar:

NM_182914.3(SYNE2):c.8424A>G (p.Leu2808=)

Gene: SYNE2 (spectrin repeat containing nuclear envelope protein 2; plus strand). Cytogenetic location: 14q23.2.
Variant type: single nucleotide variant.
Coding change: c.8424A>G on transcript NM_182914.3 (MANE Select); coding-DNA position 8424, A replaced by G.
Protein change: p.Leu2808=; no amino-acid change (leucine 2808 retained).
Molecular consequence: synonymous variant.
Genome position (GRCh38, 1-based): chr14:64,052,337, A>G. VCF-style: chr14-64052337-A-G. GRCh37 (hg19) VCF-style: chr14-64519055-A-G.
Other names: c.8424A>G, p.Leu2808= (NM_015180.6).
Identifiers: ClinVar variation 1649274 (VCV001649274.10), dbSNP rs751330977, ClinGen allele CA7221108.

ClinVar aggregate classification (germline): Likely benign. Review status: criteria provided, multiple submitters, no conflicts (2 of 4 stars). 2 submissions from 2 submitters: Likely benign (2). Last evaluated 2026-06-01.

Conditions:
Emery-Dreifuss muscular dystrophy 5, autosomal dominant (EDMD5). Also called: EMERY-DREIFUSS MUSCULAR DYSTROPHY 5. Identifiers: Orphanet 261, MedGen C2751805, MONDO:0013072, OMIM 612999.

Allele frequency attached by ClinVar (database versions not stated): gnomAD exomes 0.00001 and 0.00002; ExAC 0.00002; TOPMed 0.00002.
gnomAD v4.1: 10 of 1,614,178 alleles (0.00062%); highest among the groups gnomAD compares: Middle Eastern, 0.016%; no homozygotes.

Submissions (2):

CeGaT Center for Human Genetics Tuebingen
Classification: Likely benign. Last evaluated: 2026-06-01. Review status: criteria provided, single submitter. Criteria: CeGaT Center For Human Genetics Tuebingen Variant Classification Criteria Version 2. Collection method: clinical testing. Allele origin: germline. Affected: yes. Observed: 1 variant allele.
Comment: SYNE2: BP4, BP7

Labcorp Genetics (formerly Invitae), Labcorp
Classification: Likely benign for Emery-Dreifuss muscular dystrophy 5, autosomal dominant. Last evaluated: 2025-08-20. Review status: criteria provided, single submitter. Criteria: Invitae Variant Classification Sherloc (09022015). Collection method: clinical testing. Allele origin: germline.